The following is an entry in ClinVar:

NM_033109.5(PNPT1):c.1754T>C (p.Ile585Thr)

Gene: PNPT1 (polyribonucleotide nucleotidyltransferase 1; minus strand). Cytogenetic location: 2p16.1.
Variant type: single nucleotide variant.
Coding change: c.1754T>C on transcript NM_033109.5 (MANE Select); coding-DNA position 1754, T replaced by C.
Protein change: p.Ile585Thr; replaces isoleucine 585 with threonine.
Molecular consequence: missense variant.
Genome position (GRCh38, 1-based): chr2:55,645,417, A>G on the plus strand (T>C on the coding strand, the complement: PNPT1 is on the minus strand). VCF-style: chr2-55645417-A-G. GRCh37 (hg19) VCF-style: chr2-55872552-A-G.
Other names: short protein forms I585T.
Identifiers: ClinVar variation 1372775 (VCV001372775.3), dbSNP rs766238633, ClinGen allele CA1667952.

ClinVar aggregate classification (germline): Uncertain significance (1 of 4 stars; one submission).

Allele frequency attached by ClinVar (database versions not stated): gnomAD exomes below 0.00001; TOPMed below 0.00001; ExAC 0.00001; gnomAD 0.00001.
gnomAD v4.1: 2 of 1,609,726 alleles (0.00012%); highest among the groups gnomAD compares: African/African-American, 0.0013%; no homozygotes.

Submission:

Labcorp Genetics (formerly Invitae), Labcorp
Classification: Uncertain significance. Last evaluated: 2022-02-09. Review status: criteria provided, single submitter. Criteria: Invitae Variant Classification Sherloc (09022015). Collection method: clinical testing. Allele origin: germline.
Comment: This sequence change replaces isoleucine, which is neutral and non-polar, with threonine, which is neutral and polar, at codon 585 of the PNPT1 protein (p.Ile585Thr). This variant is present in population databases (rs766238633, gnomAD 0.007%). This variant has not been reported in the literature in individuals affected with PNPT1-related conditions. Advanced modeling of protein sequence and biophysical properties (such as structural, functional, and spatial information, amino acid conservation, physicochemical variation, residue mobility, and thermodynamic stability) performed at Invitae indicates that this missense variant is expected to disrupt PNPT1 protein function. In summary, the available evidence is currently insufficient to determine the role of this variant in disease. Therefore, it has been classified as a Variant of Uncertain Significance.